The following is an entry in ClinVar:

NM_020975.6(RET):c.1520C>A (p.Ser507Ter)

Gene: RET (ret proto-oncogene; plus strand). Cytogenetic location: 10q11.21.
Variant type: single nucleotide variant.
Coding change: c.1520C>A on transcript NM_020975.6 (MANE Select); coding-DNA position 1520, C replaced by A.
Protein change: p.Ser507Ter; replaces serine 507 with a stop codon.
Molecular consequence: nonsense. On other transcripts: intron variant (15).
Genome position (GRCh38, 1-based): chr10:43,111,463, C>A. VCF-style: chr10-43111463-C-A. GRCh37 (hg19) VCF-style: chr10-43606911-C-A.
Other names: c.758C>A, p.Ser253Ter (NM_001355216.2); c.1520C>A, p.Ser507Ter (NM_001406743.1, NM_001406744.1, NM_001406759.1 and 4 more transcripts); c.1391C>A, p.Ser464Ter (NM_001406761.1, NM_001406762.1, NM_001406764.1 and 1 more transcripts); c.1232C>A, p.Ser411Ter (NM_001406766.1, NM_001406767.1, NM_001406770.1); c.1124C>A, p.Ser375Ter (NM_001406769.1, NM_001406772.1); c.1082C>A, p.Ser361Ter (NM_001406771.1, NM_001406773.1); c.995C>A, p.Ser332Ter (NM_001406774.1); c.794C>A, p.Ser265Ter (NM_001406775.1, NM_001406776.1, NM_001406777.1 and 1 more transcripts); and 5 more; short protein forms S332*, S464*, S253*, S265*, S177*, S361*, S375*, S411*.
Identifiers: ClinVar variation 4995730 (VCV004995730.1).

ClinVar aggregate classification (germline): Likely pathogenic (1 of 4 stars; one submission).

Conditions:
RET-related disorder. Also called: RET-related condition; RET-related disease; RET-related disorders.

Submission:

PreventionGenetics, part of Exact Sciences
Classification: Likely pathogenic for RET-related condition. Last evaluated: 2026-05-14. Review status: criteria provided, single submitter. Criteria: ACMG Guidelines, 2015. Collection method: clinical testing. Allele origin: germline.
Comment: The RET c.1520C>A variant is predicted to result in premature protein termination (p.Ser507*). To our knowledge, this variant has not been reported in the literature or in a large population database (gnomAD), indicating this variant is rare. Nonsense variants in RET are expected to be pathogenic. This variant is interpreted as likely pathogenic.